The following is an entry in ClinVar:

ClinVar aggregate classification (germline): Likely pathogenic (1 of 4 stars; one submission).

Allele frequency attached by ClinVar (database versions not stated): TOPMed below 0.00001.

Submission:

GeneDx
Classification: Likely pathogenic. Last evaluated: 2017-10-16. Review status: criteria provided, single submitter. Criteria: GeneDx Variant Classification (06012015). Collection method: clinical testing. Allele origin: germline. Affected: yes.
Comment: The W80X variant in the B3GALT6 gene has not been reported previously as a pathogenic variant nor as a benign variant, to our knowledge. This variant is predicted to cause loss of normal protein function through protein truncation. The W80X variant is not observed in large population cohorts (Lek et al., 2016). We interpret W80X as a likely pathogenic variant.

NM_080605.4(B3GALT6):c.239G>A (p.Trp80Ter)

Gene: B3GALT6 (beta-1,3-galactosyltransferase 6; plus strand). Cytogenetic location: 1p36.33.
Variant type: single nucleotide variant.
Coding change: c.239G>A on transcript NM_080605.4 (MANE Select); coding-DNA position 239, G replaced by A.
Protein change: p.Trp80Ter; replaces tryptophan 80 with a stop codon.
Molecular consequence: nonsense.
Genome position (GRCh38, 1-based): chr1:1,232,517, G>A. VCF-style: chr1-1232517-G-A. GRCh37 (hg19) VCF-style: chr1-1167897-G-A.
Other names: short protein forms W80*.
Identifiers: ClinVar variation 452846 (VCV000452846.2), dbSNP rs1553151208, ClinGen allele CA337823610.
Genomic context (GRCh38, chr1:1,232,517, plus strand): 5'-CAGTGCTGGTGGCCAGCGCGCCCCGCGCCGCCGAGCGCCGCAGCGTGATCCGCAGCACGT[G>A]GCTTGCGCGGCGCGGGGCCCCGGGCGACGTGTGGGCGCGCTTTGCCGTGGGCACGGCCGG-3'